The following is an entry in ClinVar:

ClinVar aggregate classification (germline): Uncertain significance (1 of 4 stars; one submission).

Allele frequency attached by ClinVar (database versions not stated): gnomAD exomes below 0.00001 and 0.00001.
gnomAD v4.1: 1 of 1,197,637 alleles (0.000083%); highest among the groups gnomAD compares: Non-Finnish European, 0.00011%; no homozygotes.

Submission:

GeneDx
Classification: Uncertain significance. Last evaluated: 2024-03-21. Review status: criteria provided, single submitter. Criteria: GeneDx Variant Classification Process June 2021. Collection method: clinical testing. Allele origin: germline. Affected: yes.
Comment: Has not been previously published as pathogenic or benign to our knowledge; In silico analysis supports that this missense variant does not alter protein structure/function

NM_014008.5(CCDC22):c.797C>A (p.Pro266His)

Gene: CCDC22 (CCC complex scaffolding subunit CCDC22; plus strand). Cytogenetic location: Xp11.23.
Variant type: single nucleotide variant.
Coding change: c.797C>A on transcript NM_014008.5 (MANE Select); coding-DNA position 797, C replaced by A.
Protein change: p.Pro266His; replaces proline 266 with histidine.
Molecular consequence: missense variant.
Genome position (GRCh38, 1-based): chrX:49,246,813, C>A. VCF-style: chrX-49246813-C-A. GRCh37 (hg19) VCF-style: chrX-49103274-C-A.
Other names: short protein forms P266H.
Identifiers: ClinVar variation 1308033 (VCV001308033.3), dbSNP rs782413541, ClinGen allele CA412937707.